The following is an entry in ClinVar:

ClinVar aggregate classification (germline): Uncertain significance. Review status: criteria provided, multiple submitters, no conflicts (2 of 4 stars). 2 submissions from 2 submitters: Uncertain significance (2). Last evaluated 2024-04-30.

Conditions:
Early-infantile DEE. Also called: Early infantile epileptic encephalopathy with suppression bursts; Early infantile epileptic encephalopathy; Ohtahara syndrome. Identifiers: Orphanet 1934, MedGen C0393706, MONDO:0800491.

Allele frequency attached by ClinVar (database versions not stated): TOPMed below 0.00001; gnomAD 0.00001.

Submissions (2):

GeneDx
Classification: Uncertain significance. Last evaluated: 2024-04-30. Review status: criteria provided, single submitter. Criteria: GeneDx Variant Classification Process June 2021. Collection method: clinical testing. Allele origin: germline. Affected: yes.
Comment: Not observed at significant frequency in large population cohorts (gnomAD); In silico analysis suggests this variant may impact gene splicing. In the absence of RNA/functional studies, the actual effect of this sequence change is unknown.; In silico analysis supports that this missense variant has a deleterious effect on protein structure/function; Has not been previously published as pathogenic or benign to our knowledge; This substitution is predicted to be within the cytoplasmic loop between the first and second homologous domains

Labcorp Genetics (formerly Invitae), Labcorp
Classification: Uncertain significance for Early-infantile DEE. Last evaluated: 2023-07-07. Review status: criteria provided, single submitter. Criteria: Invitae Variant Classification Sherloc (09022015). Collection method: clinical testing. Allele origin: germline.
Comment: In summary, the available evidence is currently insufficient to determine the role of this variant in disease. Therefore, it has been classified as a Variant of Uncertain Significance. Algorithms developed to predict the effect of sequence changes on RNA splicing suggest that this variant may create or strengthen a splice site. Advanced modeling of protein sequence and biophysical properties (such as structural, functional, and spatial information, amino acid conservation, physicochemical variation, residue mobility, and thermodynamic stability) performed at Invitae indicates that this missense variant is expected to disrupt SCN1A protein function. This variant has not been reported in the literature in individuals affected with SCN1A-related conditions. This variant is not present in population databases (gnomAD no frequency). This sequence change replaces glycine, which is neutral and non-polar, with valine, which is neutral and non-polar, at codon 656 of the SCN1A protein (p.Gly656Val).

NM_001165963.4(SCN1A):c.1967G>T (p.Gly656Val)

Gene: SCN1A (sodium voltage-gated channel alpha subunit 1; minus strand). Cytogenetic location: 2q24.3.
Variant type: single nucleotide variant.
Coding change: c.1967G>T on transcript NM_001165963.4 (MANE Select); coding-DNA position 1967, G replaced by T.
Protein change: p.Gly656Val; replaces glycine 656 with valine.
Molecular consequence: missense variant. On other transcripts: 5 prime UTR variant (1), non-coding transcript variant (1), intron variant (4).
Genome position (GRCh38, 1-based): chr2:166,043,745, C>A on the plus strand (G>T on the coding strand, the complement: SCN1A is on the minus strand). VCF-style: chr2-166043745-C-A. GRCh37 (hg19) VCF-style: chr2-166900255-C-A.
Other names: c.1967G>T, p.Gly656Val (NM_001202435.3, NM_001353948.2, NM_001353949.2 and 4 more transcripts); c.1964G>T, p.Gly655Val (NM_001353954.2, NM_001353955.2); c.-459G>T (NM_001353961.2); c.1959+8G>T (NM_001353958.2, NM_001353957.2, NM_001165964.3); c.1956+8G>T (NM_001353960.2); c.1967G>T (NM_001165963.1); short protein forms G656V, G655V.
Identifiers: ClinVar variation 2737256 (VCV002737256.4), dbSNP rs1304701712, ClinGen allele CA349067185.